The following is an entry in ClinVar:

ClinVar aggregate classification (germline): Uncertain significance. Review status: criteria provided, multiple submitters, no conflicts (2 of 4 stars). 2 submissions from 2 submitters: Uncertain significance (2). Last evaluated 2026-08-28.

Conditions:
Hereditary cancer-predisposing syndrome. Also called: Hereditary Cancer Syndrome; Neoplastic Syndromes, Hereditary; Hereditary neoplastic syndrome; Tumor predisposition. Identifiers: Orphanet 140162, MedGen C0027672, MeSH D009386, MONDO:0015356.

Submissions (2):

Ambry Genetics
Classification: Uncertain significance for Hereditary cancer-predisposing syndrome. Last evaluated: 2026-08-28. Review status: criteria provided, single submitter. Criteria: Ambry Variant Classification Scheme 2023. Collection method: clinical testing. Allele origin: germline.
Comment: The p.T557A variant (also known as c.1669A>G), located in coding exon 11 of the CTNNA1 gene, results from an A to G substitution at nucleotide position 1669. The threonine at codon 557 is replaced by alanine, an amino acid with similar properties. This amino acid position is conserved. In addition, this alteration is predicted to be tolerated by in silico analysis. Based on the available evidence, the clinical significance of this variant remains unclear.

Labcorp Genetics (formerly Invitae), Labcorp
Classification: Uncertain significance. Last evaluated: 2021-11-29. Review status: criteria provided, single submitter. Criteria: Invitae Variant Classification Sherloc (09022015). Collection method: clinical testing. Allele origin: germline.
Comment: In summary, the available evidence is currently insufficient to determine the role of this variant in disease. Therefore, it has been classified as a Variant of Uncertain Significance. Algorithms developed to predict the effect of missense changes on protein structure and function are either unavailable or do not agree on the potential impact of this missense change (SIFT: "Deleterious"; PolyPhen-2: "Benign"; Align-GVGD: "Class C0"). This variant has not been reported in the literature in individuals affected with CTNNA1-related conditions. This variant is not present in population databases (gnomAD no frequency). This sequence change replaces threonine, which is neutral and polar, with alanine, which is neutral and non-polar, at codon 557 of the CTNNA1 protein (p.Thr557Ala).

NM_001903.5(CTNNA1):c.1669A>G (p.Thr557Ala)

Gene: CTNNA1 (catenin alpha 1; plus strand). Cytogenetic location: 5q31.2.
Variant type: single nucleotide variant.
Coding change: c.1669A>G on transcript NM_001903.5 (MANE Select); coding-DNA position 1669, A replaced by G.
Protein change: p.Thr557Ala; replaces threonine 557 with alanine.
Molecular consequence: missense variant.
Genome position (GRCh38, 1-based): chr5:138,924,632, A>G. VCF-style: chr5-138924632-A-G. GRCh37 (hg19) VCF-style: chr5-138260321-A-G.
Other names: c.1669A>G, p.Thr557Ala (NM_001290307.3, NM_001323982.2, NM_001323983.1 and 2 more transcripts); c.1360A>G, p.Thr454Ala (NM_001290309.3); c.1300A>G, p.Thr434Ala (NM_001290310.3); c.559A>G, p.Thr187Ala (NM_001290312.1, NM_001323987.1, NM_001323988.1 and 17 more transcripts); c.1576A>G, p.Thr526Ala (NM_001323986.2); c.220A>G, p.Thr74Ala (NM_001324008.1, NM_001324009.1, NM_001324010.1 and 2 more transcripts); c.466A>G, p.Thr156Ala (NM_001324011.1); c.316A>G, p.Thr106Ala (NM_001324012.1, NM_001324013.1); and 1 more; short protein forms T106A, T74A, T156A, T187A, T526A, T434A, T454A, T557A.
Identifiers: ClinVar variation 1354239 (VCV001354239.7), dbSNP rs2150289258, ClinGen allele CA361131933.
Genomic context (GRCh38, chr5:138,924,632, plus strand): 5'-GGCCTGGACCGCACAGCTGGTGCAATTCGAGGCCGGGCAGCCCGGGTCATTCACGTAGTC[A>G]CCTCAGAGATGGACAACTATGAGCCAGGAGTCTACACAGAGAAGGTTCTGGAAGCCACTA-3'
Protein context (NP_001894.2, residues 547-567): GRAARVIHVV[Thr557Ala]SEMDNYEPGV